The following is an entry in ClinVar:

ClinVar aggregate classification (germline): Benign/Likely benign. Review status: criteria provided, multiple submitters, no conflicts (2 of 4 stars). 5 submissions from 5 submitters: Benign (1); Likely benign (4). Last evaluated 2025-07-29.

Conditions:
Hereditary cancer-predisposing syndrome. Also called: Hereditary Cancer Syndrome; Neoplastic Syndromes, Hereditary; Tumor predisposition; Hereditary neoplastic syndrome. Identifiers: Orphanet 140162, MedGen C0027672, MeSH D009386, MONDO:0015356.
Lynch syndrome. Identifiers: Orphanet 144, MedGen C4552100, MONDO:0005835. Disease mechanism: loss of function.
Hereditary nonpolyposis colorectal neoplasms. Identifiers: MedGen C0009405, MeSH D003123.
Lynch syndrome 5 (LYNCH5). Also called: Colorectal cancer, hereditary nonpolyposis, type 5; Hereditary non-polyposis colorectal cancer, type 5. Identifiers: Orphanet 144, MedGen C1833477, MONDO:0013710, OMIM 614350. Disease mechanism: loss of function.

Allele frequency attached by ClinVar (database versions not stated): ExAC 0.00001; gnomAD exomes 0.00001.
gnomAD v4.1: 6 of 1,614,148 alleles (0.00037%); highest among the groups gnomAD compares: Admixed American, 0.0017%; no homozygotes.

Submissions (5):

Labcorp Genetics (formerly Invitae), Labcorp
Classification: Likely benign for Hereditary nonpolyposis colorectal neoplasms. Last evaluated: 2025-07-29. Review status: criteria provided, single submitter. Criteria: Invitae Variant Classification Sherloc (09022015). Collection method: clinical testing. Allele origin: germline.

Myriad Genetics, Inc.
Classification: Benign for Lynch syndrome 5. Last evaluated: 2024-12-31. Review status: criteria provided, single submitter. Criteria: Myriad Autosomal Dominant, Autosomal Recessive and X-Linked Classification Criteria (2023). Collection method: clinical testing. Allele origin: unknown.
Comment: This variant is considered benign. This variant is a silent/synonymous amino acid change and it is not expected to impact splicing.

All of Us Research Program, National Institutes of Health
Classification: Likely benign for Lynch syndrome. Last evaluated: 2024-02-05. Review status: criteria provided, single submitter. Criteria: ACMG Guidelines, 2015. Collection method: clinical testing. Allele origin: germline. Inheritance: Autosomal dominant inheritance. Observed: 1 variant allele, 1 heterozygote.
Comment: This study involves interpretation of variants in research participants for the purpose of population health screening. Participant phenotype was not available at the time of variant classification. Additional details can be found in publication PMID: 35346344, PMCID: PMC8962531

Color Diagnostics, LLC DBA Color Health
Classification: Likely benign for Hereditary cancer-predisposing syndrome. Last evaluated: 2018-05-15. Review status: criteria provided, single submitter. Criteria: ACMG Guidelines, 2015. Collection method: clinical testing. Allele origin: germline.

Ambry Genetics
Classification: Likely benign for Hereditary cancer-predisposing syndrome. Last evaluated: 2016-09-06. Review status: criteria provided, single submitter. Criteria: Ambry Variant Classification Scheme 2023. Collection method: clinical testing. Allele origin: germline.

NM_000179.3(MSH6):c.2424T>G (p.Val808=)

Gene: MSH6 (mutS homolog 6; plus strand). Cytogenetic location: 2p16.3.
Variant type: single nucleotide variant.
Coding change: c.2424T>G on transcript NM_000179.3 (MANE Select); coding-DNA position 2424, T replaced by G.
Protein change: p.Val808=; no amino-acid change (valine 808 retained).
Molecular consequence: synonymous variant.
Genome position (GRCh38, 1-based): chr2:47,800,407, T>G. VCF-style: chr2-47800407-T-G. GRCh37 (hg19) VCF-style: chr2-48027546-T-G.
Other names: c.2034T>G, p.Val678= (NM_001281492.2); c.1518T>G, p.Val506= (NM_001281493.2, NM_001281494.2).
Identifiers: ClinVar variation 479926 (VCV000479926.20), dbSNP rs770208363, ClinGen allele CA069033.